The following is an entry in ClinVar:

ClinVar aggregate classification (germline): Uncertain significance (1 of 4 stars; one submission).

Conditions:
Neurofibromatosis, type 1 (NF1). Also called: VON RECKLINGHAUSEN DISEASE; Peripheral type neurofibromatosis; NEUROFIBROMATOSIS, TYPE I, SOMATIC; Neurofibromatosis, type I. Identifiers: Orphanet 636, MedGen C0027831, MONDO:0018975, OMIM 162200. Disease mechanism: loss of function.

Submission:

Labcorp Genetics (formerly Invitae), Labcorp
Classification: Uncertain significance for Neurofibromatosis, type 1. Last evaluated: 2024-12-08. Review status: criteria provided, single submitter. Criteria: Invitae Variant Classification Sherloc (09022015). Collection method: clinical testing. Allele origin: germline.
Comment: This sequence change replaces tryptophan, which is neutral and slightly polar, with glycine, which is neutral and non-polar, at codon 599 of the NF1 protein (p.Trp599Gly). This variant is not present in population databases (gnomAD no frequency). This variant has not been reported in the literature in individuals affected with NF1-related conditions. Invitae Evidence Modeling of protein sequence and biophysical properties (such as structural, functional, and spatial information, amino acid conservation, physicochemical variation, residue mobility, and thermodynamic stability) indicates that this missense variant is expected to disrupt NF1 protein function with a positive predictive value of 95%. Studies have shown that this missense change is associated with inconclusive levels of altered splicing (internal data). In summary, the available evidence is currently insufficient to determine the role of this variant in disease. Therefore, it has been classified as a Variant of Uncertain Significance.

NM_001042492.3(NF1):c.1795T>G (p.Trp599Gly)

Gene: NF1 (neurofibromin 1; plus strand). Cytogenetic location: 17q11.2.
Variant type: single nucleotide variant.
Coding change: c.1795T>G on transcript NM_001042492.3 (MANE Select); coding-DNA position 1795, T replaced by G.
Protein change: p.Trp599Gly; replaces tryptophan 599 with glycine.
Molecular consequence: missense variant.
Genome position (GRCh38, 1-based): chr17:31,223,517, T>G. VCF-style: chr17-31223517-T-G. GRCh37 (hg19) VCF-style: chr17-29550535-T-G.
Other names: c.1795T>G, p.Trp599Gly (NM_000267.4); short protein forms W599G.
Identifiers: ClinVar variation 3634501 (VCV003634501.2).